The following is an entry in ClinVar:

NM_025114.4(CEP290):c.5932C>G (p.Arg1978Gly)

Gene: CEP290 (centrosomal protein 290; minus strand). Cytogenetic location: 12q21.32.
Variant type: single nucleotide variant.
Coding change: c.5932C>G on transcript NM_025114.4 (MANE Select); coding-DNA position 5932, C replaced by G.
Protein change: p.Arg1978Gly; replaces arginine 1978 with glycine.
Molecular consequence: missense variant.
Genome position (GRCh38, 1-based): chr12:88,071,373, G>C on the plus strand (C>G on the coding strand, the complement: CEP290 is on the minus strand). VCF-style: chr12-88071373-G-C. GRCh37 (hg19) VCF-style: chr12-88465150-G-C.
Other names: c.5932C>G (NM_025114.3); short protein forms R1978G.
Identifiers: ClinVar variation 1354417 (VCV001354417.4), dbSNP rs371525247, ClinGen allele CA385983738.

ClinVar aggregate classification (germline): Uncertain significance. Review status: criteria provided, multiple submitters, no conflicts (2 of 4 stars). 2 submissions from 2 submitters: Uncertain significance (2). Last evaluated 2025-02-25.

Conditions:
Joubert syndrome. Also called: CEREBELLOPARENCHYMAL DISORDER IV; JOUBERT-BOLTSHAUSER SYNDROME; Familial aplasia of the vermis. Identifiers: Orphanet 475, MedGen C5979921, MONDO:0018772.
Nephronophthisis. Also called: Juvenile Nephronophthisis. Identifiers: Orphanet 655, MedGen C0687120, MONDO:0019005, HP:0000090.
Meckel-Gruber syndrome. Also called: DYSENCEPHALIA SPLANCHNOCYSTICA; GRUBER SYNDROME; Dysencephalia splachnocystica. Identifiers: Orphanet 564, MedGen C0265215, MONDO:0018921.
Inborn genetic diseases. Identifiers: MedGen C0950123, MeSH D030342.

gnomAD v4.1: 2 of 1,610,352 alleles (0.00012%); highest among the groups gnomAD compares: Non-Finnish European, 0.00017%; no homozygotes.

Submissions (2):

Ambry Genetics
Classification: Uncertain significance for Inborn genetic diseases. Last evaluated: 2025-02-25. Review status: criteria provided, single submitter. Criteria: Ambry Variant Classification Scheme 2023. Collection method: clinical testing. Allele origin: germline.

Labcorp Genetics (formerly Invitae), Labcorp
Classification: Uncertain significance for Joubert syndrome; Meckel-Gruber syndrome; Nephronophthisis. Last evaluated: 2021-10-24. Review status: criteria provided, single submitter. Criteria: Invitae Variant Classification Sherloc (09022015). Collection method: clinical testing. Allele origin: germline.
Comment: This sequence change replaces arginine, which is basic and polar, with glycine, which is neutral and non-polar, at codon 1978 of the CEP290 protein (p.Arg1978Gly). This variant is not present in population databases (gnomAD no frequency). This variant has not been reported in the literature in individuals affected with CEP290-related conditions. Algorithms developed to predict the effect of missense changes on protein structure and function are either unavailable or do not agree on the potential impact of this missense change (SIFT: "Tolerated"; PolyPhen-2: "Possibly Damaging"; Align-GVGD: "Class C0"). Algorithms developed to predict the effect of sequence changes on RNA splicing suggest that this variant may create or strengthen a splice site. In summary, the available evidence is currently insufficient to determine the role of this variant in disease. Therefore, it has been classified as a Variant of Uncertain Significance.